The following is an entry in ClinVar:

ClinVar aggregate classification (germline): Likely benign. Review status: criteria provided, multiple submitters, no conflicts (2 of 4 stars). 3 submissions from 3 submitters: Likely benign (3). Last evaluated 2026-01-26.

Allele frequency attached by ClinVar (database versions not stated): ExAC 0.00003; gnomAD 0.00003; gnomAD exomes 0.00004; TOPMed 0.00005; 1000 Genomes Project 30x 0.00016; 1000 Genomes Project 0.00020.
gnomAD v4.1: 69 of 1,613,146 alleles (0.0043%); highest among the groups gnomAD compares: Middle Eastern, 0.16%; no homozygotes.

Submissions (3):

Labcorp Genetics (formerly Invitae), Labcorp
Classification: Likely benign. Last evaluated: 2026-01-26. Review status: criteria provided, single submitter. Criteria: Invitae Variant Classification Sherloc (09022015). Collection method: clinical testing. Allele origin: germline.

Mayo Clinic Laboratories, Mayo Clinic
Classification: Likely benign. Last evaluated: 2025-10-24. Review status: criteria provided, single submitter. Criteria: ACMG Guidelines, 2015. Collection method: clinical testing. Allele origin: germline. Observed: 1 variant allele.
Comment: BP4, BP7

Blueprint Genetics
Classification: Likely benign. Last evaluated: 2023-09-20. Review status: criteria provided, single submitter. Criteria: ACMG Guidelines, 2015. Collection method: clinical testing. Allele origin: germline.

NM_001261826.3(AP3D1):c.1635C>T (p.Gly545=)

Gene: AP3D1 (adaptor related protein complex 3 subunit delta 1; minus strand). Cytogenetic location: 19p13.3.
Variant type: single nucleotide variant.
Coding change: c.1635C>T on transcript NM_001261826.3 (MANE Select); coding-DNA position 1635, C replaced by T.
Protein change: p.Gly545=; no amino-acid change (glycine 545 retained).
Molecular consequence: synonymous variant.
Genome position (GRCh38, 1-based): chr19:2,118,679, G>A on the plus strand (C>T on the coding strand, the complement: AP3D1 is on the minus strand). VCF-style: chr19-2118679-G-A. GRCh37 (hg19) VCF-style: chr19-2118678-G-A.
Other names: p.Gly545=; c.1635C>T, p.Gly545= (NM_001374799.1, NM_003938.8).
Identifiers: ClinVar variation 799778 (VCV000799778.12), dbSNP rs547507626, ClinGen allele CA9059263.